The following is an entry in ClinVar:

ClinVar aggregate classification (germline): Likely benign (1 of 4 stars; one submission).

Conditions:
Familial cancer of breast. Also called: Hereditary breast cancer; BREAST CANCER, FAMILIAL; hereditary breast carcinoma. Identifiers: Orphanet 227535, MedGen C0346153, MONDO:0016419, OMIM 114480. Disease mechanism: loss of function.

Submission:

Myriad Genetics, Inc.
Classification: Likely benign for Familial cancer of breast. Last evaluated: 2024-10-08. Review status: criteria provided, single submitter. Criteria: Myriad Autosomal Dominant, Autosomal Recessive and X-Linked Classification Criteria (2023). Collection method: clinical testing. Allele origin: unknown.
Comment: This variant is considered likely benign. This variant is intronic and is not expected to impact mRNA splicing.

NM_007194.4(CHEK2):c.1462-16T>C

Gene: CHEK2 (checkpoint kinase 2; minus strand). Cytogenetic location: 22q12.1.
Variant type: single nucleotide variant.
Coding change: c.1462-16T>C on transcript NM_007194.4 (MANE Select); 16 bases into the intron before coding-DNA position 1462, T replaced by C.
Molecular consequence: intron variant.
Genome position (GRCh38, 1-based): chr22:28,689,231, A>G on the plus strand (T>C on the coding strand, the complement: CHEK2 is on the minus strand). VCF-style: chr22-28689231-A-G. GRCh37 (hg19) VCF-style: chr22-29085219-A-G.
Other names: c.799-16T>C (NM_001437942.1, NM_001257387.3); c.1261-16T>C (NM_001349956.3); c.1375-16T>C (NM_145862.3); c.1468-16T>C (NM_001438295.1); c.1555-16T>C (NM_001438293.1); c.1504-16T>C (NM_001438294.1); c.1591-16T>C (NM_001005735.3).
Identifiers: ClinVar variation 3773101 (VCV003773101.1).